The following is an entry in ClinVar:

ClinVar aggregate classification (germline): Uncertain significance. Review status: reviewed by expert panel (3 of 4 stars). 2 submissions from 2 submitters: Uncertain significance (1). 1 of the submissions does not count toward it. Last evaluated 2024-10-29.

Conditions:
Hereditary thrombocytopenia and hematological cancer predisposition syndrome associated with RUNX1. Also called: Familial Platelet Disorder with Propensity to Acute Myelogenous Leukemia; Familial thrombocytopenia with propensity to acute myelogenous leukemia; PLATELET DISORDER, ASPIRIN-LIKE; RUNX1 Familial Platelet Disorder with Associated Myeloid Malignancies. Identifiers: Orphanet 71290, MedGen C1832388, MeSH C563324, MONDO:0100083, OMIM 601399.
Hereditary thrombocytopenia and hematologic cancer predisposition syndrome. Identifiers: Orphanet 71290, MedGen CN281654, MONDO:0011071.

Submissions (2):

ClinGen Myeloid Malignancy Variant Curation Expert Panel
Classification: Uncertain significance for Hereditary thrombocytopenia and hematologic cancer predisposition syndrome. Last evaluated: 2024-10-29. Review status: reviewed by expert panel. Criteria: ClinGen MyeloMalig ACMG Specifications v2. Collection method: curation. Allele origin: germline. Inheritance: Autosomal dominant inheritance.
Comment: NM_001754.5(RUNX1):c.1408G>A (p.Ala470Thr) is a missense variant which has a REVEL score < 0.50 (0.067) and a SpliceAI score ≤ 0.20 (0.0) (BP4). This variant is completely absent from all population databases with at least 20x coverage for RUNX1 (PM2_Supporting). In summary, the clinical significance of this variant is uncertain. ACMG/AMP criteria applied, as specified by the Myeloid Malignancy Variant Curation Expert Panel for RUNX1: BP4, PM2_supporting.

Labcorp Genetics (formerly Invitae), Labcorp
Classification: Uncertain significance for Hereditary thrombocytopenia and hematological cancer predisposition syndrome associated with RUNX1. Last evaluated: 2022-02-09. Review status: criteria provided, single submitter. Criteria: Invitae Variant Classification Sherloc (09022015). Collection method: clinical testing. Allele origin: germline. Not counted in ClinVar's aggregate classification.
Comment: This sequence change replaces alanine, which is neutral and non-polar, with threonine, which is neutral and polar, at codon 470 of the RUNX1 protein (p.Ala470Thr). This variant is not present in population databases (gnomAD no frequency). This variant has not been reported in the literature in individuals affected with RUNX1-related conditions. Algorithms developed to predict the effect of missense changes on protein structure and function are either unavailable or do not agree on the potential impact of this missense change (SIFT: "Deleterious"; PolyPhen-2: "Possibly Damaging"; Align-GVGD: "Class C0"). In summary, the available evidence is currently insufficient to determine the role of this variant in disease. Therefore, it has been classified as a Variant of Uncertain Significance.

NM_001754.5(RUNX1):c.1408G>A (p.Ala470Thr)

Gene: RUNX1 (RUNX family transcription factor 1; minus strand). Cytogenetic location: 21q22.12.
Variant type: single nucleotide variant.
Coding change: c.1408G>A on transcript NM_001754.5 (MANE Select); coding-DNA position 1408, G replaced by A.
Protein change: p.Ala470Thr; replaces alanine 470 with threonine.
Molecular consequence: missense variant.
Genome position (GRCh38, 1-based): chr21:34,792,170, C>T on the plus strand (G>A on the coding strand, the complement: RUNX1 is on the minus strand). VCF-style: chr21-34792170-C-T. GRCh37 (hg19) VCF-style: chr21-36164467-C-T.
Other names: NM_001754.5(RUNX1):c.1408G>A; p.Ala470Thr; c.1327G>A, p.Ala443Thr (NM_001001890.3); short protein forms A470T, A443T.
Identifiers: ClinVar variation 1989558 (VCV001989558.5), dbSNP rs2056447492, ClinGen allele CA410146734.